The following is an entry in ClinVar:

NM_000834.5(GRIN2B):c.2033C>T (p.Ser678Leu)

Gene: GRIN2B (glutamate ionotropic receptor NMDA type subunit 2B; minus strand). Cytogenetic location: 12p13.1.
Variant type: single nucleotide variant.
Coding change: c.2033C>T on transcript NM_000834.5 (MANE Select); coding-DNA position 2033, C replaced by T.
Protein change: p.Ser678Leu; replaces serine 678 with leucine.
Molecular consequence: missense variant.
Genome position (GRCh38, 1-based): chr12:13,571,942, G>A on the plus strand (C>T on the coding strand, the complement: GRIN2B is on the minus strand). VCF-style: chr12-13571942-G-A. GRCh37 (hg19) VCF-style: chr12-13724876-G-A.
Other names: short protein forms S678L.
Identifiers: ClinVar variation 1041567 (VCV001041567.11), dbSNP rs1948714012, ClinGen allele CA384000087.

ClinVar aggregate classification (germline): Uncertain significance (1 of 4 stars; one submission).

Conditions:
Developmental and epileptic encephalopathy, 27 (DEE27). Also called: GRIN2B-Related Neurodevelopmental Disorder; Epileptic encephalopathy, early infantile, 27. Identifiers: Orphanet 3451, MedGen C4015316, MONDO:0014505, OMIM 616139.
Intellectual developmental disorder, autosomal dominant 6, with or without seizures. Also called: Intellectual disability, autosomal dominant 6; GRIN2B-related developmental delay, intellectual disability and autism spectrum disorder. Identifiers: Orphanet 589547, MedGen C3151411, MONDO:0013509, OMIM 613970.

Submission:

Labcorp Genetics (formerly Invitae), Labcorp
Classification: Uncertain significance for Developmental and epileptic encephalopathy, 27; Intellectual developmental disorder, autosomal dominant 6, with or without seizures. Last evaluated: 2024-10-22. Review status: criteria provided, single submitter. Criteria: Invitae Variant Classification Sherloc (09022015). Collection method: clinical testing. Allele origin: germline.
Comment: This sequence change replaces serine, which is neutral and polar, with leucine, which is neutral and non-polar, at codon 678 of the GRIN2B protein (p.Ser678Leu). This variant is not present in population databases (gnomAD no frequency). This variant has not been reported in the literature in individuals affected with GRIN2B-related conditions. ClinVar contains an entry for this variant (Variation ID: 1041567). Invitae Evidence Modeling of protein sequence and biophysical properties (such as structural, functional, and spatial information, amino acid conservation, physicochemical variation, residue mobility, and thermodynamic stability) has been performed for this missense variant. However, the output from this modeling did not meet the statistical confidence thresholds required to predict the impact of this variant on GRIN2B protein function. In summary, the available evidence is currently insufficient to determine the role of this variant in disease. Therefore, it has been classified as a Variant of Uncertain Significance.